The following is an entry in ClinVar:

ClinVar aggregate classification (germline): Uncertain significance. Review status: criteria provided, multiple submitters, no conflicts (2 of 4 stars). 2 submissions from 2 submitters: Uncertain significance (2). Last evaluated 2026-01-08.

Allele frequency attached by ClinVar (database versions not stated): ExAC 0.00050; gnomAD 0.00052; TOPMed 0.00053; gnomAD exomes 0.00069; ESP Exome Variant Server 0.00115.
gnomAD v4.1: 1,076 of 1,613,982 alleles (0.067%); highest among the groups gnomAD compares: Admixed American, 0.11%; 2 homozygotes.

Submissions (2):

Labcorp Genetics (formerly Invitae), Labcorp
Classification: Uncertain significance. Last evaluated: 2026-01-08. Review status: criteria provided, single submitter. Criteria: Invitae Variant Classification Sherloc (09022015). Collection method: clinical testing. Allele origin: germline.
Comment: This sequence change replaces arginine, which is basic and polar, with cysteine, which is neutral and slightly polar, at codon 653 of the KANK4 protein (p.Arg653Cys). This variant is present in population databases (rs139344628, gnomAD 0.09%), and has an allele count higher than expected for a pathogenic variant. This variant has not been reported in the literature in individuals affected with KANK4-related conditions. ClinVar contains an entry for this variant (Variation ID: 2051289). An algorithm developed to predict the effect of missense changes on protein structure and function (PolyPhen-2) suggests that this variant is likely to be disruptive. In summary, the available evidence is currently insufficient to determine the role of this variant in disease. Therefore, it has been classified as a Variant of Uncertain Significance.

Ambry Genetics
Classification: Uncertain significance. Last evaluated: 2021-08-23. Review status: criteria provided, single submitter. Criteria: Ambry Variant Classification Scheme 2023. Collection method: clinical testing. Allele origin: germline.

NM_181712.5(KANK4):c.1957C>T (p.Arg653Cys)

Gene: KANK4 (KN motif and ankyrin repeat domains 4; minus strand). Cytogenetic location: 1p31.3.
Variant type: single nucleotide variant.
Coding change: c.1957C>T on transcript NM_181712.5 (MANE Select); coding-DNA position 1957, C replaced by T.
Protein change: p.Arg653Cys; replaces arginine 653 with cysteine.
Molecular consequence: missense variant.
Genome position (GRCh38, 1-based): chr1:62,271,533, G>A on the plus strand (C>T on the coding strand, the complement: KANK4 is on the minus strand). VCF-style: chr1-62271533-G-A. GRCh37 (hg19) VCF-style: chr1-62737205-G-A.
Other names: c.73C>T, p.Arg25Cys (NM_001320269.2); short protein forms R653C, R25C.
Identifiers: ClinVar variation 2051289 (VCV002051289.5), dbSNP rs139344628, ClinGen allele CA884261.
Genomic context (GRCh38, chr1:62,271,533, plus strand): 5'-CTTACCCACCGTTAACCCCAACAAACTGAAGGTTCTTTTTGGTCCCATTACCTCCTGCAC[G>A]GAAGCCATAGTCTTTCTTTTTCATTATGGATTTAAGGCTGGTCGATGGGGAGATCTCTAG-3'
Protein context (NP_859063.3, residues 643-663): SIMKKKDYGF[Arg653Cys]AGGNGTKKNL